The following is an entry in ClinVar:

ClinVar aggregate classification (germline): Likely benign. Review status: reviewed by expert panel (3 of 4 stars). 9 submissions from 9 submitters: Likely benign (1). 8 of the submissions do not count toward it. Last evaluated 2017-06-29.

Conditions:
BRCA2-related disorder. Also called: BRCA2-related condition; BRCA2-related disorders. Identifiers: MedGen CN239275.
Hereditary cancer-predisposing syndrome. Also called: Tumor predisposition; Hereditary Cancer Syndrome; Hereditary neoplastic syndrome; Neoplastic Syndromes, Hereditary. Identifiers: Orphanet 140162, MedGen C0027672, MeSH D009386, MONDO:0015356.
Hereditary breast ovarian cancer syndrome. Also called: Breast and ovarian cancer; Hereditary breast and ovarian cancer syndrome; Hereditary breast and ovarian cancer; BRCA1- and BRCA2-Associated Hereditary Breast and Ovarian Cancer; Hereditary breast and ovarian cancer syndrome (HBOC); Hereditary breast and/or ovarian cancer syndrome. Identifiers: Orphanet 145, MedGen C0677776, MeSH D061325, MONDO:0003582. Disease mechanism: loss of function.
Breast-ovarian cancer, familial, susceptibility to, 2 (BROVCA2). Also called: BRCA2 Hereditary Breast and Ovarian Cancer. Identifiers: Orphanet 145, MedGen C2675520, MONDO:0012933, OMIM 612555. Disease mechanism: loss of function.

Allele frequency attached by ClinVar (database versions not stated): ExAC 0.00001; TOPMed 0.00003; ESP Exome Variant Server 0.00008.
gnomAD v4.1: 6 of 1,603,850 alleles (0.00037%); highest among the groups gnomAD compares: East Asian, 0.0022%; no homozygotes.

Submissions (9):

Evidence-based Network for the Interpretation of Germline Mutant Alleles (ENIGMA)
Classification: Likely benign for Breast-ovarian cancer, familial, susceptibility to, 2. Last evaluated: 2017-06-29. Review status: reviewed by expert panel. Criteria: ENIGMA BRCA1/2 Classification Criteria (2017-06-29). Collection method: curation. Allele origin: germline.
Comment: Synonymous substitution variant, with low bioinformatic likelihood to result in a splicing aberration (Splicing prior probability 0.02).

Labcorp Genetics (formerly Invitae), Labcorp
Classification: Likely benign for Hereditary breast ovarian cancer syndrome. Last evaluated: 2025-10-27. Review status: criteria provided, single submitter. Criteria: Invitae Variant Classification Sherloc (09022015). Collection method: clinical testing. Allele origin: germline. Not counted in ClinVar's aggregate classification.

Quest Diagnostics Nichols Institute San Juan Capistrano
Classification: Likely benign. Last evaluated: 2023-08-03. Review status: criteria provided, single submitter. Criteria: Quest Diagnostics criteria. Collection method: clinical testing. Allele origin: unknown. Not counted in ClinVar's aggregate classification.

All of Us Research Program, National Institutes of Health
Classification: Likely benign for Breast-ovarian cancer, familial, susceptibility to, 2. Last evaluated: 2023-03-23. Review status: criteria provided, single submitter. Criteria: ACMG Guidelines, 2015. Collection method: clinical testing. Allele origin: germline. Inheritance: Autosomal dominant inheritance. Observed: 1 variant allele, 1 heterozygote. Not counted in ClinVar's aggregate classification.
Comment: This study involves interpretation of variants in research participants for the purpose of population health screening. Participant phenotype was not available at the time of variant classification. Additional details can be found in publication PMID: 35346344, PMCID: PMC8962531

Color Diagnostics, LLC DBA Color Health
Classification: Likely benign for Hereditary cancer-predisposing syndrome. Last evaluated: 2022-06-10. Review status: criteria provided, single submitter. Criteria: ACMG Guidelines, 2015. Collection method: clinical testing. Allele origin: germline. Not counted in ClinVar's aggregate classification.

Women's Health and Genetics/Laboratory Corporation of America, LabCorp
Classification: Likely benign. Last evaluated: 2019-08-21. Review status: criteria provided, single submitter. Criteria: LabCorp Variant Classification Summary - May 2015. Collection method: clinical testing. Allele origin: germline. Not counted in ClinVar's aggregate classification.

Ambry Genetics
Classification: Likely benign for Hereditary cancer-predisposing syndrome. Last evaluated: 2018-07-10. Review status: criteria provided, single submitter. Criteria: Ambry Variant Classification Scheme 2023. Collection method: clinical testing. Allele origin: germline. Not counted in ClinVar's aggregate classification.

GeneDx
Classification: Likely benign. Last evaluated: 2017-05-19. Review status: criteria provided, single submitter. Criteria: GeneDx Variant Classification (06012015). Collection method: clinical testing. Allele origin: germline. Affected: yes. Not counted in ClinVar's aggregate classification.
Comment: This variant is considered likely benign or benign based on one or more of the following criteria: it is a conservative change, it occurs at a poorly conserved position in the protein, it is predicted to be benign by multiple in silico algorithms, and/or has population frequency not consistent with disease.

PreventionGenetics, part of Exact Sciences
Classification: Likely benign for BRCA2-related condition. Last evaluated: 2024-02-19. Review status: no assertion criteria provided. Collection method: clinical testing. Allele origin: germline. Not counted in ClinVar's aggregate classification.
Comment: This variant is classified as likely benign based on ACMG/AMP sequence variant interpretation guidelines (Richards et al. 2015 PMID: 25741868, with internal and published modifications).

NM_000059.4(BRCA2):c.807A>G (p.Thr269=)

Gene: BRCA2 (BRCA2 DNA repair associated; plus strand). Cytogenetic location: 13q13.1.
Variant type: single nucleotide variant.
Coding change: c.807A>G on transcript NM_000059.4 (MANE Select); coding-DNA position 807, A replaced by G.
Protein change: p.Thr269=; no amino-acid change (threonine 269 retained).
Molecular consequence: synonymous variant.
Genome position (GRCh38, 1-based): chr13:32,332,285, A>G. VCF-style: chr13-32332285-A-G. GRCh37 (hg19) VCF-style: chr13-32906422-A-G.
Identifiers: ClinVar variation 184826 (VCV000184826.26), dbSNP rs142072914, ClinGen allele CA025442.